The following is an entry in ClinVar:

NM_000051.4(ATM):c.3813T>C (p.Ile1271=)

Gene: ATM (ATM serine/threonine kinase; plus strand). Cytogenetic location: 11q22.3.
Variant type: single nucleotide variant.
Coding change: c.3813T>C on transcript NM_000051.4 (MANE Select); coding-DNA position 3813, T replaced by C.
Protein change: p.Ile1271=; no amino-acid change (isoleucine 1271 retained).
Molecular consequence: synonymous variant.
Genome position (GRCh38, 1-based): chr11:108,284,293, T>C. VCF-style: chr11-108284293-T-C. GRCh37 (hg19) VCF-style: chr11-108155020-T-C.
Other names: c.3813T>C, p.Ile1271= (NM_001351834.2).
Identifiers: ClinVar variation 385775 (VCV000385775.17), dbSNP rs1057522326, ClinGen allele CA16606179.
Genomic context (GRCh38, chr11:108,284,293, plus strand): 5'-TTATAAGGTTTTGATTCCACATCTGGTGATTAGAAGTCATTTTGATGAGGTGAAGTCCAT[T>C]GCTAATCAGATTCAAGAGGACTGGAAAAGTCTTCTAACAGACTGCTTTCCAAAGATTCTT-3'
Protein context (NP_000042.3, residues 1261-1281): IRSHFDEVKS[Ile1271=]ANQIQEDWKS

ClinVar aggregate classification (germline): Benign/Likely benign. Review status: criteria provided, multiple submitters, no conflicts (2 of 4 stars). 4 submissions from 4 submitters: Benign (1); Likely benign (3). Last evaluated 2025-12-15.

Conditions:
Hereditary cancer-predisposing syndrome. Also called: Neoplastic Syndromes, Hereditary; Hereditary neoplastic syndrome; Tumor predisposition; Hereditary Cancer Syndrome. Identifiers: Orphanet 140162, MedGen C0027672, MeSH D009386, MONDO:0015356.
Familial cancer of breast. Also called: BREAST CANCER, FAMILIAL; hereditary breast carcinoma; Hereditary breast cancer. Identifiers: Orphanet 227535, MedGen C0346153, MONDO:0016419, OMIM 114480. Disease mechanism: loss of function.
Ataxia-telangiectasia syndrome (AT). Also called: AT, COMPLEMENTATION GROUP C; ATAXIA-TELANGIECTASIA, COMPLEMENTATION GROUP A; ATAXIA-TELANGIECTASIA, FRESNO VARIANT; LOUIS-BAR SYNDROME; Ataxia-telangiectasia; Cerebello-oculocutaneous telangiectasia. Identifiers: Orphanet 100, MedGen C0004135, MONDO:0008840, OMIM 208900.

Allele frequency attached by ClinVar (database versions not stated): gnomAD exomes below 0.00001; gnomAD 0.00001.
gnomAD v4.1: 3 of 1,613,752 alleles (0.00019%); highest among the groups gnomAD compares: South Asian, 0.0033%; no homozygotes.

Submissions (4):

Labcorp Genetics (formerly Invitae), Labcorp
Classification: Likely benign for Ataxia-telangiectasia syndrome. Last evaluated: 2025-12-15. Review status: criteria provided, single submitter. Criteria: Invitae Variant Classification Sherloc (09022015). Collection method: clinical testing. Allele origin: germline.

Myriad Genetics, Inc.
Classification: Benign for Familial cancer of breast. Last evaluated: 2024-05-15. Review status: criteria provided, single submitter. Criteria: Myriad Autosomal Dominant, Autosomal Recessive and X-Linked Classification Criteria (2023). Collection method: clinical testing. Allele origin: unknown.
Comment: This variant is considered benign. This variant is a silent/synonymous amino acid change and it is not expected to impact splicing.

Ambry Genetics
Classification: Likely benign for Hereditary cancer-predisposing syndrome. Last evaluated: 2019-01-20. Review status: criteria provided, single submitter. Criteria: Ambry Variant Classification Scheme 2023. Collection method: clinical testing. Allele origin: germline.

GeneDx
Classification: Likely benign. Last evaluated: 2016-04-26. Review status: criteria provided, single submitter. Criteria: GeneDx Variant Classification (06012015). Collection method: clinical testing. Allele origin: germline. Affected: yes.
Comment: This variant is considered likely benign or benign based on one or more of the following criteria: it is a conservative change, it occurs at a poorly conserved position in the protein, it is predicted to be benign by multiple in silico algorithms, and/or has population frequency not consistent with disease.